The following is an entry in ClinVar:

NM_001080517.3(SETD5):c.2324G>A (p.Gly775Asp)

Gene: SETD5 (SET domain containing 5; plus strand). Cytogenetic location: 3p25.3.
Variant type: single nucleotide variant.
Coding change: c.2324G>A on transcript NM_001080517.3 (MANE Select); coding-DNA position 2324, G replaced by A.
Protein change: p.Gly775Asp; replaces glycine 775 with aspartic acid.
Molecular consequence: missense variant.
Genome position (GRCh38, 1-based): chr3:9,448,608, G>A. VCF-style: chr3-9448608-G-A. GRCh37 (hg19) VCF-style: chr3-9490292-G-A.
Other names: c.2324G>A (NM_001080517.1); c.2030G>A, p.Gly677Asp (NM_001292043.2, NM_001349451.2); short protein forms G677D, G775D.
Identifiers: ClinVar variation 1375629 (VCV001375629.6), dbSNP rs1453766111, ClinGen allele CA351702002.

ClinVar aggregate classification (germline): Conflicting classifications of pathogenicity. Review status: criteria provided, conflicting classifications (1 of 4 stars). 2 submissions from 2 submitters: Uncertain significance (1); Likely benign (1). Last evaluated 2022-11-14.

Allele frequency attached by ClinVar (database versions not stated): gnomAD exomes below 0.00001.

Submissions (2):

GeneDx
Classification: Uncertain significance. Last evaluated: 2022-11-14. Review status: criteria provided, single submitter. Criteria: GeneDx Variant Classification Process June 2021. Collection method: clinical testing. Allele origin: germline. Affected: yes.
Comment: Not observed at significant frequency in large population cohorts (gnomAD); In silico analysis supports that this missense variant does not alter protein structure/function; Has not been previously published as pathogenic or benign to our knowledge

Labcorp Genetics (formerly Invitae), Labcorp
Classification: Likely benign. Last evaluated: 2022-03-02. Review status: criteria provided, single submitter. Criteria: Invitae Variant Classification Sherloc (09022015). Collection method: clinical testing. Allele origin: germline.